The following is an entry in ClinVar:

ClinVar aggregate classification (germline): Uncertain significance (1 of 4 stars; one submission).

Conditions:
Amyloidosis, hereditary systemic 1 (AMYLD1). Also called: Familial amyloid polyneuropathy; Transthyretin Amyloidosis; Amyloid Cardiomyopathy, Transthyretin-related; Hereditary oculoleptomeningeal amyloid angiopathy; Familial Transthyretin Amyloidosis; AMYLOID CARDIOMYOPATHY. Identifiers: Orphanet 85447, Orphanet 85451, MedGen C2751492, MONDO:0971004, OMIM 105210.

Submission:

Centre for Mendelian Genomics, University Medical Centre Ljubljana
Classification: Uncertain significance for Amyloidosis, hereditary systemic 1. Last evaluated: 2019-01-16. Review status: criteria provided, single submitter. Criteria: ACMG Guidelines, 2015. Collection method: clinical testing. Allele origin: unknown. Affected: yes.
Comment: This variant was classified as: Uncertain significance. The available evidence on this variant's pathogenicity is insufficient or conflicting. The following ACMG criteria were applied in classifying this variant: PM2,PP2.

NM_000371.4(TTR):c.203A>C (p.Lys68Thr)

Gene: TTR (transthyretin; plus strand). Cytogenetic location: 18q12.1.
Variant type: single nucleotide variant.
Coding change: c.203A>C on transcript NM_000371.4 (MANE Select); coding-DNA position 203, A replaced by C.
Protein change: p.Lys68Thr; replaces lysine 68 with threonine.
Molecular consequence: missense variant.
Genome position (GRCh38, 1-based): chr18:31,595,122, A>C. VCF-style: chr18-31595122-A-C. GRCh37 (hg19) VCF-style: chr18-29175085-A-C.
Other names: short protein forms K68T.
Identifiers: ClinVar variation 931788 (VCV000931788.3), dbSNP rs2073510120, ClinGen allele CA402156897.
Genomic context (GRCh38, chr18:31,595,122, plus strand): 5'-TTGCCATGCCATTTGTTTCCTCCATGCGTAACTTAATCCAGACTTTCACACCTTATAGGA[A>C]AACCAGTGAGTCTGGAGAGCTGCATGGGCTCACAACTGAGGAGGAATTTGTAGAAGGGAT-3'
Protein context (NP_000362.1, residues 58-78): DDTWEPFASG[Lys68Thr]TSESGELHGL